The following is an entry in ClinVar:

ClinVar aggregate classification (germline): Likely benign. Review status: criteria provided, multiple submitters, no conflicts (2 of 4 stars). 2 submissions from 2 submitters: Likely benign (2). Last evaluated 2025-08-14.

Allele frequency attached by ClinVar (database versions not stated): TOPMed below 0.00001; gnomAD exomes 0.00001.
gnomAD v4.1: 8 of 1,614,110 alleles (0.0005%); highest among the groups gnomAD compares: East Asian, 0.013%; no homozygotes.

Submissions (2):

Labcorp Genetics (formerly Invitae), Labcorp
Classification: Likely benign. Last evaluated: 2025-08-14. Review status: criteria provided, single submitter. Criteria: Invitae Variant Classification Sherloc (09022015). Collection method: clinical testing. Allele origin: germline.

Mayo Clinic Laboratories, Mayo Clinic
Classification: Likely benign. Last evaluated: 2025-07-29. Review status: criteria provided, single submitter. Criteria: ACMG Guidelines, 2015. Collection method: clinical testing. Allele origin: germline. Observed: 1 variant allele.
Comment: BP4, BP7

NM_001261826.3(AP3D1):c.648G>A (p.Lys216=)

Gene: AP3D1 (adaptor related protein complex 3 subunit delta 1; minus strand). Cytogenetic location: 19p13.3.
Variant type: single nucleotide variant.
Coding change: c.648G>A on transcript NM_001261826.3 (MANE Select); coding-DNA position 648, G replaced by A.
Protein change: p.Lys216=; no amino-acid change (lysine 216 retained).
Molecular consequence: synonymous variant.
Genome position (GRCh38, 1-based): chr19:2,129,402, C>T on the plus strand (G>A on the coding strand, the complement: AP3D1 is on the minus strand). VCF-style: chr19-2129402-C-T. GRCh37 (hg19) VCF-style: chr19-2129401-C-T.
Other names: p.Lys216=; c.648G>A, p.Lys216= (NM_001374799.1, NM_003938.8).
Identifiers: ClinVar variation 2017841 (VCV002017841.5), dbSNP rs1177827994, ClinGen allele CA504775289.
Genomic context (GRCh38, chr19:2,129,402, plus strand): 5'-CCAGTTGTTGGTGGAGGACGTCATCAGCTTGAAAAAGAGCGGGGCCAGGGACAGGTAGTT[C>T]TTAGGGTTGCGTCTGGCCAGCTCGCAGATGACATTGACGGCAGCCGACTGAACCCCTGGG-3'
Protein context (NP_001248755.1, residues 206-226): VICELARRNP[Lys216=]NYLSLAPLFF